The following is an entry in ClinVar:

NM_001013703.4(EIF2AK4):c.292C>G (p.Leu98Val)

Gene: EIF2AK4 (eukaryotic translation initiation factor 2 alpha kinase 4; plus strand). Cytogenetic location: 15q15.1.
Variant type: single nucleotide variant.
Coding change: c.292C>G on transcript NM_001013703.4 (MANE Select); coding-DNA position 292, C replaced by G.
Protein change: p.Leu98Val; replaces leucine 98 with valine.
Molecular consequence: missense variant.
Genome position (GRCh38, 1-based): chr15:39,943,417, C>G. VCF-style: chr15-39943417-C-G. GRCh37 (hg19) VCF-style: chr15-40235618-C-G.
Other names: short protein forms L98V.
Identifiers: ClinVar variation 1432088 (VCV001432088.9), dbSNP rs773805280, ClinGen allele CA7473465.
Genomic context (GRCh38, chr15:39,943,417, plus strand): 5'-TTTTTTTTTTTTTTTGCCTTTTCCAGAGTTCCTGAAATAGAGTTAAAAAATGCCAAAGGT[C>G]TATCAAATGAAAGTGTCAATTTGTTAAAATCTCGCCTAGAAGAACTGGCCAAGAAACACT-3'
Protein context (NP_001013725.2, residues 88-108): PEIELKNAKG[Leu98Val]SNESVNLLKS

ClinVar aggregate classification (germline): Uncertain significance (1 of 4 stars; one submission).

Allele frequency attached by ClinVar (database versions not stated): gnomAD exomes 0.00001 and 0.00007; ExAC 0.00002; gnomAD 0.00002.

Submissions (2):

Labcorp Genetics (formerly Invitae), Labcorp
Classification: Uncertain significance. Last evaluated: 2021-06-23. Review status: criteria provided, single submitter. Criteria: Invitae Variant Classification Sherloc (09022015). Collection method: clinical testing. Allele origin: germline.
Comment: This variant is present in population databases (rs773805280, ExAC 0.003%). This variant has not been reported in the literature in individuals with EIF2AK4-related conditions. Advanced modeling of protein sequence and biophysical properties (such as structural, functional, and spatial information, amino acid conservation, physicochemical variation, residue mobility, and thermodynamic stability) performed at Invitae indicates that this missense variant is not expected to disrupt EIF2AK4 protein function. In summary, the available evidence is currently insufficient to determine the role of this variant in disease. Therefore, it has been classified as a Variant of Uncertain Significance. This sequence change replaces leucine with valine at codon 98 of the EIF2AK4 protein (p.Leu98Val). The leucine residue is highly conserved and there is a small physicochemical difference between leucine and valine.

Dr. Peter K. Rogan Lab, Western University
No classification provided (evidence only). Condition: Hepatocellular carcinoma. Review status: no classification provided. Collection method: in vitro. Allele origin: not applicable. Functional consequence: retained intron. Not counted in ClinVar's aggregate classification.